The following is an entry in ClinVar:

NM_001145308.5(LRTOMT):c.-113C>T

Genes: LRRC51 (leucine rich repeat containing 51; plus strand), LRTOMT (leucine rich transmembrane and O-methyltransferase domain containing; plus strand). Cytogenetic location: 11q13.4.
Variant type: single nucleotide variant.
Coding change: c.-113C>T on transcript NM_001145308.5; 113 bases upstream of the start codon, C replaced by T.
Molecular consequence: 5 prime UTR variant. On other transcripts: synonymous variant (5), non-coding transcript variant (2).
Genome position (GRCh38, 1-based): chr11:72,094,950, C>T. VCF-style: chr11-72094950-C-T. GRCh37 (hg19) VCF-style: chr11-71805996-C-T.
Other names: c.291C>T, p.Val97= (NM_001145307.5, NM_001271471.3, NM_001318803.2 and 1 more transcripts); c.237C>T, p.Val79= (NM_001205138.4); c.-113C>T (NM_001145309.4, NM_001145310.4).
Identifiers: ClinVar variation 3389759 (VCV003389759.14).

ClinVar aggregate classification (germline): Likely benign (1 of 4 stars; one submission).

Submission:

CeGaT Center for Human Genetics Tuebingen
Classification: Likely benign. Last evaluated: 2024-10-01. Review status: criteria provided, single submitter. Criteria: CeGaT Center For Human Genetics Tuebingen Variant Classification Criteria Version 2. Collection method: clinical testing. Allele origin: germline. Affected: yes. Observed: 1 variant allele.
Comment: LRTOMT: PM2:Supporting, BP4, BP7